The following is an entry in ClinVar:

ClinVar aggregate classification (germline): Likely benign. Review status: criteria provided, multiple submitters, no conflicts (2 of 4 stars). 2 submissions from 2 submitters: Likely benign (2). Last evaluated 2025-11-01.

Submissions (2):

CeGaT Center for Human Genetics Tuebingen
Classification: Likely benign. Last evaluated: 2025-11-01. Review status: criteria provided, single submitter. Criteria: CeGaT Center For Human Genetics Tuebingen Variant Classification Criteria Version 2. Collection method: clinical testing. Allele origin: germline. Affected: yes. Observed: 1 variant allele.
Comment: CHD2: PM2:Supporting, BP4, BP7

Blueprint Genetics
Classification: Likely benign. Last evaluated: 2021-08-23. Review status: criteria provided, single submitter. Criteria: ACMG Guidelines, 2015. Collection method: clinical testing. Allele origin: germline.

NM_001271.4(CHD2):c.2892T>C (p.Asn964=)

Genes: CHD2 (chromodomain helicase DNA binding protein 2; plus strand), LOC126862230 (P300/CBP strongly-dependent group 1 enhancer GRCh37_chr15:93523977-93525176; plus strand). Cytogenetic location: 15q26.1.
Variant type: single nucleotide variant.
Coding change: c.2892T>C on transcript NM_001271.4 (MANE Select); coding-DNA position 2892, T replaced by C.
Protein change: p.Asn964=; no amino-acid change (asparagine 964 retained).
Molecular consequence: synonymous variant.
Genome position (GRCh38, 1-based): chr15:92,980,830, T>C. VCF-style: chr15-92980830-T-C. GRCh37 (hg19) VCF-style: chr15-93524060-T-C.
Identifiers: ClinVar variation 2645723 (VCV002645723.25), dbSNP rs2505549924, ClinGen allele CA492499822.